The following is an entry in ClinVar:

NM_000264.5(PTCH1):c.1865T>A (p.Val622Glu)

Genes: PTCH1 (patched 1; minus strand), LOC100507346 (uncharacterized LOC100507346; plus strand). Cytogenetic location: 9q22.32.
Variant type: single nucleotide variant.
Coding change: c.1865T>A on transcript NM_000264.5 (MANE Select); coding-DNA position 1865, T replaced by A.
Protein change: p.Val622Glu; replaces valine 622 with glutamic acid.
Molecular consequence: missense variant. On other transcripts: non-coding transcript variant (2).
Genome position (GRCh38, 1-based): chr9:95,469,136, A>T on the plus strand (T>A on the coding strand, the complement: PTCH1 is on the minus strand). VCF-style: chr9-95469136-A-T. GRCh37 (hg19) VCF-style: chr9-98231418-A-T.
Other names: c.1667T>A, p.Val556Glu (NM_001083602.3); c.1862T>A, p.Val621Glu (NM_001083603.3); c.1412T>A, p.Val471Glu (NM_001083604.3, NM_001083605.3, NM_001083606.3 and 1 more transcripts); c.1709T>A, p.Val570Glu (NM_001354918.2); short protein forms V570E, V622E, V621E, V471E, V556E.
Identifiers: ClinVar variation 2693825 (VCV002693825.4), dbSNP rs2538150761, ClinGen allele CA374116162.

ClinVar aggregate classification (germline): Uncertain significance. Review status: criteria provided, multiple submitters, no conflicts (2 of 4 stars). 2 submissions from 2 submitters: Uncertain significance (2). Last evaluated 2026-05-21.

Conditions:
Hereditary cancer-predisposing syndrome. Also called: Tumor predisposition; Hereditary neoplastic syndrome; Neoplastic Syndromes, Hereditary; Hereditary Cancer Syndrome. Identifiers: Orphanet 140162, MedGen C0027672, MeSH D009386, MONDO:0015356.
Gorlin syndrome. Also called: Nevoid Basal Cell Carcinoma Syndrome; Basal cell nevus syndrome. Identifiers: Orphanet 377, MedGen C0004779, MONDO:0007187.

Allele frequency attached by ClinVar (database versions not stated): gnomAD exomes below 0.00001.
gnomAD v4.1: 4 of 1,613,926 alleles (0.00025%); highest among the groups gnomAD compares: Non-Finnish European, 0.00034%; no homozygotes.

Submissions (2):

Ambry Genetics
Classification: Uncertain significance for Hereditary cancer-predisposing syndrome. Last evaluated: 2026-05-21. Review status: criteria provided, single submitter. Criteria: Ambry Variant Classification Scheme 2023. Collection method: clinical testing. Allele origin: germline.
Comment: The p.V622E variant (also known as c.1865T>A), located in coding exon 14 of the PTCH1 gene, results from a T to A substitution at nucleotide position 1865. The valine at codon 622 is replaced by glutamic acid, an amino acid with dissimilar properties. This amino acid position is conserved. In addition, this alteration is predicted to be deleterious by in silico analysis. Based on the available evidence, the clinical significance of this variant remains unclear.

Labcorp Genetics (formerly Invitae), Labcorp
Classification: Uncertain significance for Gorlin syndrome. Last evaluated: 2025-11-17. Review status: criteria provided, single submitter. Criteria: Invitae Variant Classification Sherloc (09022015). Collection method: clinical testing. Allele origin: germline.
Comment: This sequence change replaces valine, which is neutral and non-polar, with glutamic acid, which is acidic and polar, at codon 622 of the PTCH1 protein (p.Val622Glu). This variant is not present in population databases (gnomAD no frequency). This variant has not been reported in the literature in individuals affected with PTCH1-related conditions. ClinVar contains an entry for this variant (Variation ID: 2693825). Invitae Evidence Modeling of protein sequence and biophysical properties (such as structural, functional, and spatial information, amino acid conservation, physicochemical variation, residue mobility, and thermodynamic stability) has been performed for this missense variant. However, the output from this modeling did not meet the statistical confidence thresholds required to predict the impact of this variant on PTCH1 protein function. In summary, the available evidence is currently insufficient to determine the role of this variant in disease. Therefore, it has been classified as a Variant of Uncertain Significance.